The following is an entry in ClinVar:

NM_000081.4(LYST):c.11320A>T (p.Thr3774Ser)

Gene: LYST (lysosomal trafficking regulator; minus strand). Cytogenetic location: 1q42.3.
Variant type: single nucleotide variant.
Coding change: c.11320A>T on transcript NM_000081.4 (MANE Select); coding-DNA position 11320, A replaced by T.
Protein change: p.Thr3774Ser; replaces threonine 3774 with serine.
Molecular consequence: missense variant.
Genome position (GRCh38, 1-based): chr1:235,663,026, T>A on the plus strand (A>T on the coding strand, the complement: LYST is on the minus strand). VCF-style: chr1-235663026-T-A. GRCh37 (hg19) VCF-style: chr1-235826326-T-A.
Other names: c.11320A>T, p.Thr3774Ser (NM_001301365.1); short protein forms T3774S.
Identifiers: ClinVar variation 1988461 (VCV001988461.2), dbSNP rs777951471, ClinGen allele CA344984227.

ClinVar aggregate classification (germline): Uncertain significance. Review status: criteria provided, multiple submitters, no conflicts (2 of 4 stars). 2 submissions from 2 submitters: Uncertain significance (2). Last evaluated 2022-05-30.

Conditions:
Chédiak-Higashi syndrome (CHS). Also called: Chediak-Higashi Syndrome. Identifiers: Orphanet 167, MedGen C0007965, MONDO:0008963, OMIM 214500.

Allele frequency attached by ClinVar (database versions not stated): gnomAD exomes below 0.00001.
gnomAD v4.1: 6 of 1,613,954 alleles (0.00037%); highest among the groups gnomAD compares: East Asian, 0.0022%; no homozygotes.

Submissions (2):

Labcorp Genetics (formerly Invitae), Labcorp
Classification: Uncertain significance for Chédiak-Higashi syndrome. Last evaluated: 2022-05-30. Review status: criteria provided, single submitter. Criteria: Invitae Variant Classification Sherloc (09022015). Collection method: clinical testing. Allele origin: germline.
Comment: This sequence change replaces threonine, which is neutral and polar, with serine, which is neutral and polar, at codon 3774 of the LYST protein (p.Thr3774Ser). This variant is present in population databases (no rsID available, gnomAD 0.01%). This missense change has been observed in individual(s) with hemophagocytic lymphohistiocytosis (PMID: 27781387). Algorithms developed to predict the effect of missense changes on protein structure and function are either unavailable or do not agree on the potential impact of this missense change (SIFT: "Tolerated"; PolyPhen-2: "Probably Damaging"; Align-GVGD: "Class C0"). In summary, the available evidence is currently insufficient to determine the role of this variant in disease. Therefore, it has been classified as a Variant of Uncertain Significance.

Blueprint Genetics
Classification: Uncertain significance. Last evaluated: 2021-03-11. Review status: criteria provided, single submitter. Criteria: ACMG Guidelines, 2015. Collection method: clinical testing. Allele origin: germline.

Literature cited by the submitters: PubMed 27781387 (cited by Labcorp Genetics (formerly Invitae), Labcorp).